The following is an entry in ClinVar:

NM_001851.6(COL9A1):c.2281C>T (p.His761Tyr)

Gene: COL9A1 (collagen type IX alpha 1 chain; minus strand). Cytogenetic location: 6q13.
Variant type: single nucleotide variant.
Coding change: c.2281C>T on transcript NM_001851.6 (MANE Select); coding-DNA position 2281, C replaced by T.
Protein change: p.His761Tyr; replaces histidine 761 with tyrosine.
Molecular consequence: missense variant. On other transcripts: non-coding transcript variant (1).
Genome position (GRCh38, 1-based): chr6:70,234,572, G>A on the plus strand (C>T on the coding strand, the complement: COL9A1 is on the minus strand). VCF-style: chr6-70234572-G-A. GRCh37 (hg19) VCF-style: chr6-70944275-G-A.
Other names: c.1582C>T, p.His528Tyr (NM_001377289.1); c.1405C>T, p.His469Tyr (NM_001377290.1); c.1552C>T, p.His518Tyr (NM_078485.4); short protein forms H469Y, H761Y, H518Y, H528Y.
Identifiers: ClinVar variation 2132134 (VCV002132134.4), dbSNP rs2483190281, ClinGen allele CA364672889.
Genomic context (GRCh38, chr6:70,234,572, plus strand): 5'-AAAGTCAAACCATTGTGATTTATTTACCTTGTATGACTCTCATGCAAACCTGCTTAATGT[G>A]CTGATCTGTCGGTGCTCTACCCTGGGACAGAAAAGAAAAAAAGGCAGTTTATGCATGAAA-3'
Protein context (NP_001842.3, residues 751-771): GPPGRAPTDQ[His761Tyr]IKQVCMRVIQ

ClinVar aggregate classification (germline): Uncertain significance (1 of 4 stars; one submission).

Submission:

Labcorp Genetics (formerly Invitae), Labcorp
Classification: Uncertain significance. Last evaluated: 2024-06-03. Review status: criteria provided, single submitter. Criteria: Invitae Variant Classification Sherloc (09022015). Collection method: clinical testing. Allele origin: germline.
Comment: This sequence change replaces histidine, which is basic and polar, with tyrosine, which is neutral and polar, at codon 761 of the COL9A1 protein (p.His761Tyr). This variant is not present in population databases (gnomAD no frequency). This variant has not been reported in the literature in individuals affected with COL9A1-related conditions. ClinVar contains an entry for this variant (Variation ID: 2132134). Advanced modeling of protein sequence and biophysical properties (such as structural, functional, and spatial information, amino acid conservation, physicochemical variation, residue mobility, and thermodynamic stability) performed at Invitae indicates that this missense variant is not expected to disrupt COL9A1 protein function with a negative predictive value of 95%. In summary, the available evidence is currently insufficient to determine the role of this variant in disease. Therefore, it has been classified as a Variant of Uncertain Significance.